The following is an entry in ClinVar:

ClinVar aggregate classification (germline): Conflicting classifications of pathogenicity. Review status: criteria provided, conflicting classifications (1 of 4 stars). 3 submissions from 3 submitters: Uncertain significance (1); Likely benign (1). 1 of the submissions does not count toward it. Last evaluated 2025-01-01.

Conditions:
BLTP1-related disorder. Also called: BLTP1-related condition.

Allele frequency attached by ClinVar (database versions not stated): ExAC 0.00047; 1000 Genomes Project 0.00100; 1000 Genomes Project 30x 0.00125; gnomAD 0.00154; ESP Exome Variant Server 0.00160; TOPMed 0.00163.
gnomAD v4.1: 431 of 1,594,582 alleles (0.027%); highest among the groups gnomAD compares: African/African-American, 0.54%; no homozygotes.

Submissions (3):

CeGaT Center for Human Genetics Tuebingen
Classification: Uncertain significance. Last evaluated: 2025-01-01. Review status: criteria provided, single submitter. Criteria: CeGaT Center For Human Genetics Tuebingen Variant Classification Criteria Version 2. Collection method: clinical testing. Allele origin: germline. Affected: yes. Observed: 1 variant allele.
Comment: BLTP1: PP2, BP4

Ambry Genetics
Classification: Likely benign. Last evaluated: 2023-04-05. Review status: criteria provided, single submitter. Criteria: Ambry Variant Classification Scheme 2023. Collection method: clinical testing. Allele origin: germline.

PreventionGenetics, part of Exact Sciences
Classification: Likely benign for BLTP1-related condition. Last evaluated: 2019-07-15. Review status: no assertion criteria provided. Collection method: clinical testing. Allele origin: germline. Not counted in ClinVar's aggregate classification.
Comment: This variant is classified as likely benign based on ACMG/AMP sequence variant interpretation guidelines (Richards et al. 2015 PMID: 25741868, with internal and published modifications).

NM_001384125.1(BLTP1):c.12277G>C (p.Val4093Leu)

Gene: BLTP1 (bridge-like lipid transfer protein family member 1; plus strand). Cytogenetic location: 4q27.
Variant type: single nucleotide variant.
Coding change: c.12277G>C on transcript NM_001384125.1 (MANE Select); coding-DNA position 12277, G replaced by C.
Protein change: p.Val4093Leu; replaces valine 4093 with leucine.
Molecular consequence: missense variant.
Genome position (GRCh38, 1-based): chr4:122,336,883, G>C. VCF-style: chr4-122336883-G-C. GRCh37 (hg19) VCF-style: chr4-123258038-G-C.
Other names: c.12013G>C, p.Val4005Leu (NM_015312.4); short protein forms V4005L, V4093L.
Identifiers: ClinVar variation 2563958 (VCV002563958.17), dbSNP rs200028937, ClinGen allele CA3067953.